The following is an entry in ClinVar:

NM_000045.4(ARG1):c.306-612C>T

Genes: MED23 (mediator complex subunit 23; minus strand), ARG1 (arginase 1; plus strand). Cytogenetic location: 6q23.2.
Variant type: single nucleotide variant.
Coding change: c.306-612C>T on transcript NM_000045.4 (MANE Select); 612 bases into the intron before coding-DNA position 306, C replaced by T.
Molecular consequence: intron variant.
Genome position (GRCh38, 1-based): chr6:131,580,607, C>T. VCF-style: chr6-131580607-C-T. GRCh37 (hg19) VCF-style: chr6-131901747-C-T.
Other names: c.330-612C>T (NM_001244438.2); c.305+1322C>T (NM_001369020.1); c.4078-6312G>A (NM_001270521.2); c.4096-6312G>A (NM_015979.4).
Identifiers: ClinVar variation 513961 (VCV000513961.3), dbSNP rs1037482297, ClinGen allele CA147892054.

ClinVar aggregate classification (germline): Likely benign (1 of 4 stars; one submission).

Allele frequency attached by ClinVar (database versions not stated): gnomAD 0.00001; TOPMed 0.00001.
gnomAD v4.1: 1 of 152,262 alleles (0.00066%); highest among the groups gnomAD compares: South Asian, 0.021%; no homozygotes.

Submission:

GeneDx
Classification: Likely benign. Last evaluated: 2017-12-26. Review status: criteria provided, single submitter. Criteria: GeneDx Variant Classification (06012015). Collection method: clinical testing. Allele origin: germline. Affected: yes.
Comment: This variant is considered likely benign or benign based on one or more of the following criteria: it is a conservative change, it occurs at a poorly conserved position in the protein, it is predicted to be benign by multiple in silico algorithms, and/or has population frequency not consistent with disease.